The following is an entry in ClinVar:

ClinVar aggregate classification (germline): Conflicting classifications of pathogenicity. Review status: criteria provided, conflicting classifications (1 of 4 stars). 3 submissions from 3 submitters: Uncertain significance (2); Likely benign (1). Last evaluated 2025-05-24.

Allele frequency attached by ClinVar (database versions not stated): gnomAD exomes 0.00001 and 0.00004; gnomAD 0.00004; ExAC 0.00005; TOPMed 0.00008.
gnomAD v4.1: 36 of 1,613,996 alleles (0.0022%); highest among the groups gnomAD compares: African/African-American, 0.011%; no homozygotes.

Submissions (3):

Ambry Genetics
Classification: Uncertain significance. Last evaluated: 2025-05-24. Review status: criteria provided, single submitter. Criteria: Ambry Variant Classification Scheme 2023. Collection method: clinical testing. Allele origin: germline.
Comment: The p.V754I variant (also known as c.2260G>A), located in coding exon 19 of the A2ML1 gene, results from a G to A substitution at nucleotide position 2260. The valine at codon 754 is replaced by isoleucine, an amino acid with highly similar properties. This amino acid position is conserved. In addition, this alteration is predicted to be tolerated by in silico analysis. Since supporting evidence is limited at this time, the clinical significance of this alteration remains unclear.

Labcorp Genetics (formerly Invitae), Labcorp
Classification: Uncertain significance. Last evaluated: 2024-10-06. Review status: criteria provided, single submitter. Criteria: Invitae Variant Classification Sherloc (09022015). Collection method: clinical testing. Allele origin: germline.
Comment: This sequence change replaces valine, which is neutral and non-polar, with isoleucine, which is neutral and non-polar, at codon 754 of the A2ML1 protein (p.Val754Ile). This variant is present in population databases (rs769726608, gnomAD 0.02%). This variant has not been reported in the literature in individuals affected with A2ML1-related conditions. ClinVar contains an entry for this variant (Variation ID: 1444257). An algorithm developed to predict the effect of missense changes on protein structure and function outputs the following: PolyPhen-2: "Benign". The isoleucine amino acid residue is found in multiple mammalian species, which suggests that this missense change does not adversely affect protein function. In summary, the available evidence is currently insufficient to determine the role of this variant in disease. Therefore, it has been classified as a Variant of Uncertain Significance.

Women's Health and Genetics/Laboratory Corporation of America, LabCorp
Classification: Likely benign. Last evaluated: 2023-09-11. Review status: criteria provided, single submitter. Criteria: LabCorp Variant Classification Summary - May 2015. Collection method: clinical testing. Allele origin: germline.

NM_144670.6(A2ML1):c.2260G>A (p.Val754Ile)

Gene: A2ML1 (alpha-2-macroglobulin like 1; plus strand). Cytogenetic location: 12p13.31.
Variant type: single nucleotide variant.
Coding change: c.2260G>A on transcript NM_144670.6 (MANE Select); coding-DNA position 2260, G replaced by A.
Protein change: p.Val754Ile; replaces valine 754 with isoleucine.
Molecular consequence: missense variant.
Genome position (GRCh38, 1-based): chr12:8,851,809, G>A. VCF-style: chr12-8851809-G-A. GRCh37 (hg19) VCF-style: chr12-9004405-G-A.
Other names: c.2260G>A (NM_144670.3, NM_144670.5); c.787G>A, p.Val263Ile (NM_001282424.3); short protein forms V263I, V754I.
Identifiers: ClinVar variation 1444257 (VCV001444257.9), dbSNP rs769726608, ClinGen allele CA6435972.